The following is an entry in ClinVar:

NM_017866.6(TMEM70):c.155G>C (p.Trp52Ser)

Gene: TMEM70 (transmembrane protein 70; plus strand). Cytogenetic location: 8q21.11.
Variant type: single nucleotide variant.
Coding change: c.155G>C on transcript NM_017866.6 (MANE Select); coding-DNA position 155, G replaced by C.
Protein change: p.Trp52Ser; replaces tryptophan 52 with serine.
Molecular consequence: missense variant. On other transcripts: non-coding transcript variant (1).
Genome position (GRCh38, 1-based): chr8:73,976,436, G>C. VCF-style: chr8-73976436-G-C. GRCh37 (hg19) VCF-style: chr8-74888671-G-C.
Other names: c.155G>C, p.Trp52Ser (NM_001040613.3); short protein forms W52S.
Identifiers: ClinVar variation 2160090 (VCV002160090.3), dbSNP rs1336441908, ClinGen allele CA371489363.
Genomic context (GRCh38, chr8:73,976,436, plus strand): 5'-CCCGGGCCTCTGTCTCCCGGGCGTCCTCCAGCAGCGGGCCTTCGGGGCCGGTAGCCGGCT[G>C]GAGTACGGGGCCTTCGGGAGCCGCGCGCCTTCTCCGGCGTCCGGGTCGAGCGCAGGTAGG-3'
Protein context (NP_060336.3, residues 42-62): SSGPSGPVAG[Trp52Ser]STGPSGAARL

ClinVar aggregate classification (germline): Uncertain significance (1 of 4 stars; one submission).

Conditions:
Mitochondrial complex V (ATP synthase) deficiency, nuclear type 2. Also called: Nuclear-Encoded ATPase Deficiency, TMEM70-Related; ENCEPHALOCARDIOMYOPATHY, MITOCHONDRIAL, NEONATAL, DUE TO ATP SYNTHASE DEFICIENCY; MITOCHONDRIAL COMPLEX V (ATP SYNTHASE) DEFICIENCY, TMEM70 TYPE. Identifiers: Orphanet 1194, MedGen C3279699, MONDO:0013546, OMIM 614052.

Allele frequency attached by ClinVar (database versions not stated): gnomAD 0.00001.
gnomAD v4.1: 1 of 1,570,462 alleles (0.000064%); highest among the groups gnomAD compares: Admixed American, 0.0018%; no homozygotes.

Submission:

Labcorp Genetics (formerly Invitae), Labcorp
Classification: Uncertain significance for Mitochondrial complex V (ATP synthase) deficiency, nuclear type 2. Last evaluated: 2022-04-29. Review status: criteria provided, single submitter. Criteria: Invitae Variant Classification Sherloc (09022015). Collection method: clinical testing. Allele origin: germline.
Comment: In summary, the available evidence is currently insufficient to determine the role of this variant in disease. Therefore, it has been classified as a Variant of Uncertain Significance. Algorithms developed to predict the effect of missense changes on protein structure and function (SIFT, PolyPhen-2, Align-GVGD) all suggest that this variant is likely to be tolerated. This variant has not been reported in the literature in individuals affected with TMEM70-related conditions. This variant is not present in population databases (gnomAD no frequency). This sequence change replaces tryptophan, which is neutral and slightly polar, with serine, which is neutral and polar, at codon 52 of the TMEM70 protein (p.Trp52Ser).